The following is an entry in ClinVar:

NM_001037333.3(CYFIP2):c.3716G>A (p.Arg1239His)

Genes: CYFIP2 (cytoplasmic FMR1 interacting protein 2; plus strand), NIPAL4-DT (NIPAL4 divergent transcript; minus strand). Cytogenetic location: 5q33.3.
Variant type: single nucleotide variant.
Coding change: c.3716G>A on transcript NM_001037333.3 (MANE Select); coding-DNA position 3716, G replaced by A.
Protein change: p.Arg1239His; replaces arginine 1239 with histidine.
Molecular consequence: missense variant.
Genome position (GRCh38, 1-based): chr5:157,392,954, G>A. VCF-style: chr5-157392954-G-A. GRCh37 (hg19) VCF-style: chr5-156819962-G-A.
Other names: c.3716G>A (NM_001037333.1); c.3638G>A, p.Arg1213His (NM_001291721.2); c.3791G>A, p.Arg1264His (NM_001291722.2); c.3716G>A, p.Arg1239His (NM_014376.4); short protein forms R1264H, R1213H, R1239H.
Identifiers: ClinVar variation 2179008 (VCV002179008.5), dbSNP rs201882855, ClinGen allele CA3534434.

ClinVar aggregate classification (germline): Uncertain significance. Review status: criteria provided, multiple submitters, no conflicts (2 of 4 stars). 2 submissions from 2 submitters: Uncertain significance (2). Last evaluated 2026-01-28.

Conditions:
Inborn genetic diseases. Identifiers: MedGen C0950123, MeSH D030342.

Allele frequency attached by ClinVar (database versions not stated): ExAC 0.00001; gnomAD exomes 0.00001.
gnomAD v4.1: 10 of 1,613,758 alleles (0.00062%); highest among the groups gnomAD compares: Admixed American, 0.005%; no homozygotes.

Submissions (2):

Labcorp Genetics (formerly Invitae), Labcorp
Classification: Uncertain significance. Last evaluated: 2026-01-28. Review status: criteria provided, single submitter. Criteria: Invitae Variant Classification Sherloc (09022015). Collection method: clinical testing. Allele origin: germline.
Comment: This sequence change replaces arginine, which is basic and polar, with histidine, which is basic and polar, at codon 1239 of the CYFIP2 protein (p.Arg1239His). This variant is present in population databases (rs201882855, gnomAD 0.006%). This variant has not been reported in the literature in individuals affected with CYFIP2-related conditions. ClinVar contains an entry for this variant (Variation ID: 2179008). Experimental studies and prediction algorithms are not available or were not evaluated, and the functional significance of this variant is currently unknown. In summary, the available evidence is currently insufficient to determine the role of this variant in disease. Therefore, it has been classified as a Variant of Uncertain Significance.

Ambry Genetics
Classification: Uncertain significance for Inborn genetic diseases. Last evaluated: 2022-03-22. Review status: criteria provided, single submitter. Criteria: Ambry Variant Classification Scheme 2023. Collection method: clinical testing. Allele origin: germline.